The following is an entry in ClinVar:

ClinVar aggregate classification (germline): Uncertain significance (1 of 4 stars; one submission).

Conditions:
Malignant hyperthermia, susceptibility to, 1 (MHS1). Also called: RYR1-Related Malignant Hyperthermia Susceptibility; Malignant hyperthermia suceptibility 1; Anesthesia related hyperthermia; Malignant hyperpyrexia; Fulminating hyperpyrexia; Pharmacogenic myopathy. Identifiers: Orphanet 423, MedGen C2930980, MONDO:0007783, OMIM 145600.

gnomAD v4.1: 2 of 1,613,844 alleles (0.00012%); highest among the groups gnomAD compares: Non-Finnish European, 0.00017%; no homozygotes.

Submission:

Color Diagnostics, LLC DBA Color Health
Classification: Uncertain significance for Malignant hyperthermia, susceptibility to, 1. Last evaluated: 2025-06-23. Review status: criteria provided, single submitter. Criteria: ACMG Guidelines, 2015. Collection method: clinical testing. Allele origin: germline.
Comment: This missense variant replaces glutamine with arginine at codon 2962 of the RYR1 protein. Computational prediction suggests that this variant may not impact protein structure and function. To our knowledge, functional studies have not been reported for this variant. This variant has not been reported in individuals affected with RYR1-related disorders in the literature. This variant has not been identified in the general population by the Genome Aggregation Database (gnomAD). The available evidence is insufficient to determine the role of this variant in disease conclusively. Therefore, this variant is classified as a Variant of Uncertain Significance.

NM_000540.3(RYR1):c.8885A>G (p.Gln2962Arg)

Gene: RYR1 (ryanodine receptor 1; plus strand). Cytogenetic location: 19q13.2.
Variant type: single nucleotide variant.
Coding change: c.8885A>G on transcript NM_000540.3 (MANE Select); coding-DNA position 8885, A replaced by G.
Protein change: p.Gln2962Arg; replaces glutamine 2962 with arginine.
Molecular consequence: missense variant.
Genome position (GRCh38, 1-based): chr19:38,507,780, A>G. VCF-style: chr19-38507780-A-G. GRCh37 (hg19) VCF-style: chr19-38998420-A-G.
Other names: c.8885A>G, p.Gln2962Arg (NM_001042723.2); short protein forms Q2962R.
Identifiers: ClinVar variation 4756820 (VCV004756820.1).